The following is an entry in ClinVar:

ClinVar aggregate classification (germline): Likely benign (1 of 4 stars; one submission).

gnomAD v4.1: 1 of 1,614,188 alleles (0.000062%); highest among the groups gnomAD compares: African/African-American, 0.0013%; no homozygotes.

Submission:

CeGaT Center for Human Genetics Tuebingen
Classification: Likely benign. Last evaluated: 2022-04-01. Review status: criteria provided, single submitter. Criteria: CeGaT Center For Human Genetics Tuebingen Variant Classification Criteria Version 2. Collection method: clinical testing. Allele origin: germline. Affected: yes. Observed: 1 variant allele.
Comment: ASH1L: PM2:Supporting, BP4, BP7

NM_018489.3(ASH1L):c.6381A>G (p.Gln2127=)

Gene: ASH1L (ASH1 like histone lysine methyltransferase; minus strand). Cytogenetic location: 1q22.
Variant type: single nucleotide variant.
Coding change: c.6381A>G on transcript NM_018489.3 (MANE Select); coding-DNA position 6381, A replaced by G.
Protein change: p.Gln2127=; no amino-acid change (glutamine 2127 retained).
Molecular consequence: synonymous variant.
Genome position (GRCh38, 1-based): chr1:155,370,935, T>C on the plus strand (A>G on the coding strand, the complement: ASH1L is on the minus strand). VCF-style: chr1-155370935-T-C. GRCh37 (hg19) VCF-style: chr1-155340726-T-C.
Other names: c.6396A>G, p.Gln2132= (NM_001366177.2).
Identifiers: ClinVar variation 2639409 (VCV002639409.24), dbSNP rs2525960741, ClinGen allele CA421247626.